The following is an entry in ClinVar:

ClinVar aggregate classification (germline): Uncertain significance (1 of 4 stars; one submission).

Conditions:
Aspartylglucosaminuria (AGU). Also called: AGA DEFICIENCY; Aspartylglucos-aminuria; Aspartylglucos-amidase (AGA) deficiency; GLYCOASPARAGINASE; GLYCOSYLASPARAGINASE DEFICIENCY. Identifiers: Orphanet 93, MedGen C0268225, MONDO:0008830, OMIM 208400, HP:0012068.

Allele frequency attached by ClinVar (database versions not stated): gnomAD exomes below 0.00001.
gnomAD v4.1: 1 of 1,610,628 alleles (0.000062%); highest among the groups gnomAD compares: Admixed American, 0.0017%; no homozygotes.

Submission:

Labcorp Genetics (formerly Invitae), Labcorp
Classification: Uncertain significance for Aspartylglucosaminuria. Last evaluated: 2022-09-27. Review status: criteria provided, single submitter. Criteria: Invitae Variant Classification Sherloc (09022015). Collection method: clinical testing. Allele origin: germline.
Comment: This sequence change replaces lysine, which is basic and polar, with arginine, which is basic and polar, at codon 177 of the AGA protein (p.Lys177Arg). This variant is present in population databases (no rsID available, gnomAD 0.003%). This variant has not been reported in the literature in individuals affected with AGA-related conditions. ClinVar contains an entry for this variant (Variation ID: 1383912). Algorithms developed to predict the effect of missense changes on protein structure and function (SIFT, PolyPhen-2, Align-GVGD) all suggest that this variant is likely to be tolerated. In summary, the available evidence is currently insufficient to determine the role of this variant in disease. Therefore, it has been classified as a Variant of Uncertain Significance.

NM_000027.4(AGA):c.530A>G (p.Lys177Arg)

Gene: AGA (aspartylglucosaminidase; minus strand). Cytogenetic location: 4q34.3.
Variant type: single nucleotide variant.
Coding change: c.530A>G on transcript NM_000027.4 (MANE Select); coding-DNA position 530, A replaced by G.
Protein change: p.Lys177Arg; replaces lysine 177 with arginine.
Molecular consequence: missense variant. On other transcripts: non-coding transcript variant (1).
Genome position (GRCh38, 1-based): chr4:177,437,497, T>C on the plus strand (A>G on the coding strand, the complement: AGA is on the minus strand). VCF-style: chr4-177437497-T-C. GRCh37 (hg19) VCF-style: chr4-178358651-T-C.
Other names: c.530A>G, p.Lys177Arg (NM_001171988.2); short protein forms K177R.
Identifiers: ClinVar variation 1383912 (VCV001383912.5), dbSNP rs1189458949, ClinGen allele CA358782932.